The following continues an entry in ClinVar:

NM_000059.4(BRCA2):c.1275A>G (p.Glu425=)

Gene: BRCA2. ClinVar aggregate classification (germline): Benign. Benign (1).

Submissions 23 to 28 of 28:

Counsyl
Classification: Likely benign for Breast-ovarian cancer, familial 2. Last evaluated: 2014-01-02. Review status: no assertion criteria provided. Collection method: literature only. Allele origin: unknown. Inheritance: Autosomal dominant inheritance. Not counted in ClinVar's aggregate classification.

Breast Cancer Information Core (BIC) (BRCA2)
Classification: Benign for Breast-ovarian cancer, familial 2. Last evaluated: 2010-09-18. Review status: no assertion criteria provided. Collection method: clinical testing. Allele origin: germline. Affected: yes. Observed: 1 variant allele. Not counted in ClinVar's aggregate classification.

Clinical Genetics DNA and cytogenetics Diagnostics Lab, Erasmus MC, Erasmus Medical Center
Classification: Likely benign. Review status: no assertion criteria provided. Collection method: clinical testing. Allele origin: germline. Affected: yes. Study: VKGL Data-share Consensus. Not counted in ClinVar's aggregate classification.

Clinical Genetics Laboratory, Department of Pathology, Netherlands Cancer Institute
Classification: Benign. Review status: no assertion criteria provided. Collection method: clinical testing. Allele origin: germline. Affected: yes. Study: VKGL Data-share Consensus. Not counted in ClinVar's aggregate classification.

Department of Pathology and Laboratory Medicine, Sinai Health System
Classification: Benign for Malignant tumor of breast. Review status: no assertion criteria provided. Collection method: clinical testing. Allele origin: unknown. Affected: yes. Observed: 2 variant alleles. Study: The Canadian Open Genetics Repository (COGR). Not counted in ClinVar's aggregate classification.
Comment: The BRCA2 p.Glu425Glu variant was identified in 29 of 2532 proband chromosomes (frequency: 0.011) from individuals or families with breast cancer, and was not identified in 334 control chromosomes from healthy individuals (Fackenthal 2012, Han 2006, Kawahara 2004, Toh 2008). The variant was also identified in dbSNP (ID: rs34355306) as â€šÃ„ÃºWith Likely benign alleleâ€šÃ„Ã¹, Clinvitae database (classified as benign by ClinVar and Invitae, as likely benign by ClinVar), the ClinVar database (classified as benign by ENIGMA, MMGLUM, Invitae, GeneDx, Emory genetics, BIC, as likely benign by Counsyl and Ambry genetics), the BIC database (2x with no clinical importance), UMD (70x with a â€šÃ„Ãºunclassified variantâ€šÃ„Ã¹ classification) and Fanconi Anemia Mutation Database (LOVD). In UMD the variant was identified with a co-occurring pathogenic BRCA1 and BRCA2 variants (BRCA1: c.4986+6T>C, c.5468-2A>G and BRCA2: c.1310_1313delAAGA, p.Lys437IlefsX22), increasing the likelihood that the p.Glu425Glu variant does not have clinical significance. This variant was identified in the 1000 Genomes Project in 33 of 5000 chromosomes (frequency: 0.007), the NHLBI GO Exome Sequencing Project in 43 of 4400 African American alleles, the Exome Aggregation Consortium database (August 8, 2016) in 161 (2 homozygous) of 120508 chromosomes (freq. 0.001) in the following populations: African in 138 of 9866 chromosomes (freq. 0.01), East Asian in 20 of 8642 chromosomes (freq. 0.002), Latino in 3 of 11540 chromosomes (freq. 0.0003), increasing the likelihood this could be a low frequency benign variant. The p.Glu425Glu variant is not expected to have clinical significance because it does not result in a change of amino acid and is not located in a known consensus splice site. The variant occurs outside of the splicing consensus sequence and 1 of 5 in silico or computational prediction software programs (SpliceSiteFinder, MaxEntScan, NNSPLICE, GeneSplicer, HumanSpliceFinder) predict a greater than 10% difference in splicing; this is not very predictive of pathogenicity. In summary, based on the above information, this variant meets our laboratory's criteria to be classified as benign.

Joint Genome Diagnostic Labs from Nijmegen and Maastricht, Radboudumc and MUMC+
Classification: Benign. Review status: no assertion criteria provided. Collection method: clinical testing. Allele origin: germline. Affected: yes. Study: VKGL Data-share Consensus. Not counted in ClinVar's aggregate classification.

Literature cited by the submitters: DOI 10.3389/fgene.2022.834265 (cited by National Health Laboratory Service, Universitas Academic Hospital and University of the Free State); PubMed 36329109 (cited by Genetics Program, Instituto Nacional de Cancer); PubMed 20104584 (cited by Illumina Laboratory Services, Illumina and Counsyl); PubMed 17100994 (cited by Illumina Laboratory Services, Illumina and Counsyl); PubMed 15168169 (cited by Illumina Laboratory Services, Illumina and Counsyl); PubMed 15744044 (cited by Illumina Laboratory Services, Illumina and Counsyl); PubMed 12474142 (cited by Counsyl).